The following is an entry in ClinVar:

ClinVar aggregate classification (germline): Uncertain significance (1 of 4 stars; one submission).

Submission:

Laboratory for Molecular Medicine, Mass General Brigham Personalized Medicine
Classification: Uncertain significance. Last evaluated: 2019-08-28. Review status: criteria provided, single submitter. Criteria: LMM Criteria. Collection method: clinical testing. Allele origin: germline. Observed: 1 variant allele.
Comment: The p.Thr1170Ile variant in USH2A has not been previously reported in individuals with Usher syndrome and was absent from large population studies. Computational prediction tools and conservation analyses do not provide strong support for or against an impact to the protein. In summary, the clinical significance of this variant is uncertain. ACMG/AMP Criteria applied: PM2.

NM_206933.4(USH2A):c.3509C>T (p.Thr1170Ile)

Genes: USH2A (usherin; minus strand), USH2A-AS1 (USH2A antisense RNA 1; plus strand). Cytogenetic location: 1q41.
Variant type: single nucleotide variant.
Coding change: c.3509C>T on transcript NM_206933.4 (MANE Select); coding-DNA position 3509, C replaced by T.
Protein change: p.Thr1170Ile; replaces threonine 1170 with isoleucine.
Molecular consequence: missense variant.
Genome position (GRCh38, 1-based): chr1:216,199,929, G>A on the plus strand (C>T on the coding strand, the complement: USH2A is on the minus strand). VCF-style: chr1-216199929-G-A. GRCh37 (hg19) VCF-style: chr1-216373271-G-A.
Other names: c.3509C>T, p.Thr1170Ile (NM_007123.6); short protein forms T1170I.
Identifiers: ClinVar variation 929931 (VCV000929931.4), dbSNP rs2034944380, ClinGen allele CA344868347.